The following is an entry in ClinVar:

ClinVar aggregate classification (germline): Conflicting classifications of pathogenicity. Review status: criteria provided, conflicting classifications (1 of 4 stars). 2 submissions from 2 submitters: Uncertain significance (1); Benign (1). Last evaluated 2025-08-28.

Conditions:
Hereditary cancer-predisposing syndrome. Also called: Neoplastic Syndromes, Hereditary; Hereditary Cancer Syndrome; Hereditary neoplastic syndrome; Tumor predisposition. Identifiers: Orphanet 140162, MedGen C0027672, MeSH D009386, MONDO:0015356.
Tuberous sclerosis 2 (TSC2). Identifiers: Orphanet 805, MedGen C1860707, MONDO:0013199, OMIM 613254.

Submissions (2):

Labcorp Genetics (formerly Invitae), Labcorp
Classification: Benign for Tuberous sclerosis 2. Last evaluated: 2025-08-28. Review status: criteria provided, single submitter. Criteria: Invitae Variant Classification Sherloc (09022015). Collection method: clinical testing. Allele origin: germline.

Ambry Genetics
Classification: Uncertain significance for Hereditary cancer-predisposing syndrome. Last evaluated: 2024-01-10. Review status: criteria provided, single submitter. Criteria: Ambry Variant Classification Scheme 2023. Collection method: clinical testing. Allele origin: germline.
Comment: The p.A972V variant (also known as c.2915C>T), located in coding exon 25 of the TSC2 gene, results from a C to T substitution at nucleotide position 2915. The alanine at codon 972 is replaced by valine, an amino acid with similar properties. This amino acid position is not well conserved in available vertebrate species. In addition, the in silico prediction for this alteration is inconclusive. Since supporting evidence is limited at this time, the clinical significance of this alteration remains unclear.

NM_000548.5(TSC2):c.2915C>T (p.Ala972Val)

Gene: TSC2 (TSC complex subunit 2; plus strand). Cytogenetic location: 16p13.3.
Variant type: single nucleotide variant.
Coding change: c.2915C>T on transcript NM_000548.5 (MANE Select); coding-DNA position 2915, C replaced by T.
Protein change: p.Ala972Val; replaces alanine 972 with valine.
Molecular consequence: missense variant. On other transcripts: intron variant (9).
Genome position (GRCh38, 1-based): chr16:2,077,675, C>T. VCF-style: chr16-2077675-C-T. GRCh37 (hg19) VCF-style: chr16-2127676-C-T.
Other names: c.2915C>T, p.Ala972Val (NM_001114382.3); c.2837+1090C>T (NM_021055.3, NM_001370405.1, NM_001363528.2 and 2 more transcripts); c.2726+1090C>T (NM_001318827.2); c.2237+1090C>T (NM_001318831.2); c.2690+1090C>T (NM_001318829.2); c.2870+1090C>T (NM_001318832.2); short protein forms A972V.
Identifiers: ClinVar variation 854147 (VCV000854147.9), dbSNP rs2089590552, ClinGen allele CA394281289.